The following is an entry in ClinVar:

NM_138694.4(PKHD1):c.9151A>G (p.Ile3051Val)

Gene: PKHD1 (PKHD1 ciliary IPT domain containing fibrocystin/polyductin; minus strand). Cytogenetic location: 6p12.3.
Variant type: single nucleotide variant.
Coding change: c.9151A>G on transcript NM_138694.4 (MANE Select); coding-DNA position 9151, A replaced by G.
Protein change: p.Ile3051Val; replaces isoleucine 3051 with valine.
Molecular consequence: missense variant.
Genome position (GRCh38, 1-based): chr6:51,748,465, T>C on the plus strand (A>G on the coding strand, the complement: PKHD1 is on the minus strand). VCF-style: chr6-51748465-T-C. GRCh37 (hg19) VCF-style: chr6-51613263-T-C.
Other names: c.9151A>G, p.Ile3051Val (NM_170724.3); short protein forms I3051V.
Identifiers: ClinVar variation 4981935 (VCV004981935.1).

ClinVar aggregate classification (germline): Uncertain significance (1 of 4 stars; one submission).

Conditions:
PKHD1-related disorder. Also called: PKHD1-related condition.

gnomAD v4.1: 13 of 1,613,992 alleles (0.00081%); highest among the groups gnomAD compares: Non-Finnish European, 0.00093%; no homozygotes.

Submission:

PreventionGenetics, part of Exact Sciences
Classification: Uncertain significance for PKHD1-related condition. Last evaluated: 2025-11-10. Review status: criteria provided, single submitter. Criteria: ACMG Guidelines, 2015. Collection method: clinical testing. Allele origin: germline.
Comment: The PKHD1 c.9151A>G variant is predicted to result in the amino acid substitution p.Ile3051Val. To our knowledge, this variant has not been reported in the literature or in a large population database (gnomAD), indicating this variant is rare. At this time, the clinical significance of this variant is uncertain due to the absence of conclusive functional and genetic evidence.